The following is an entry in ClinVar:

NM_001367561.1(DOCK7):c.3186+6_3186+8del

Gene: DOCK7 (dedicator of cytokinesis 7; minus strand). Cytogenetic location: 1p31.3.
Variant type: Deletion.
Coding change: c.3186+6_3186+8del on transcript NM_001367561.1 (MANE Select); bases 6 to 8 of the intron after coding-DNA position 3186, 3 bases deleted (GAT; older notation c.3186+6_3186+8delGAT).
Molecular consequence: intron variant.
Genome position (GRCh38, 1-based): chr1:62,539,744-62,539,746, ATC deleted on the plus strand (GAT on the coding strand, the reverse complement: DOCK7 is on the minus strand); deleting any 3 consecutive bases within chr1:62,539,744-62,539,748 gives the same sequence; the c. name uses the placement nearest the transcript's 3' end. VCF-style (leftmost placement, unchanged base first): chr1-62539743-TATC-T. GRCh37 (hg19) VCF-style: chr1-63005414-TATC-T.
Other names: c.3093+6_3093+8del (NM_001272001.2, NM_001272000.2, NM_033407.4); c.3186+6_3186+8del (NM_001271999.2, NM_001330614.2).
Identifiers: ClinVar variation 1051347 (VCV001051347.7), dbSNP rs774915426, ClinGen allele CA886067.

ClinVar aggregate classification (germline): Uncertain significance (1 of 4 stars; one submission).

Conditions:
Developmental and epileptic encephalopathy, 23 (DEE23). Also called: Epileptic encephalopathy, early infantile, 23. Identifiers: Orphanet 411986, MedGen C4014492, MONDO:0014371, OMIM 615859.

Submission:

Labcorp Genetics (formerly Invitae), Labcorp
Classification: Uncertain significance for Developmental and epileptic encephalopathy, 23. Last evaluated: 2020-07-12. Review status: criteria provided, single submitter. Criteria: Invitae Variant Classification Sherloc (09022015). Collection method: clinical testing. Allele origin: germline.
Comment: In summary, the available evidence is currently insufficient to determine the role of this variant in disease. Therefore, it has been classified as a Variant of Uncertain Significance. Nucleotide substitutions within the consensus splice site are a relatively common cause of aberrant splicing (PMID: 17576681, 9536098). Algorithms developed to predict the effect of sequence changes on RNA splicing suggest that this variant is not likely to affect RNA splicing, but this prediction has not been confirmed by published transcriptional studies. This variant has not been reported in the literature in individuals with DOCK7-related conditions. This variant is present in population databases (rs774915426, ExAC 0.01%). This sequence change falls in intron 26 of the DOCK7 gene. It does not directly change the encoded amino acid sequence of the DOCK7 protein, but it affects a nucleotide within the consensus splice site of the intron.

Literature cited by the submitters: PubMed 17576681; PubMed 9536098.